The following is an entry in ClinVar:

NM_001079802.2(FKTN):c.1133G>A (p.Trp378Ter)

Gene: FKTN (fukutin; plus strand). Cytogenetic location: 9q31.2.
Variant type: single nucleotide variant.
Coding change: c.1133G>A on transcript NM_001079802.2 (MANE Select); coding-DNA position 1133, G replaced by A.
Protein change: p.Trp378Ter; replaces tryptophan 378 with a stop codon.
Molecular consequence: nonsense. On other transcripts: non-coding transcript variant (2).
Genome position (GRCh38, 1-based): chr9:105,620,022, G>A. VCF-style: chr9-105620022-G-A. GRCh37 (hg19) VCF-style: chr9-108382303-G-A.
Other names: c.1133G>A, p.Trp378Ter (NM_001198963.2, NM_001351496.2, NM_001351498.2 and 1 more transcripts); c.1064G>A, p.Trp355Ter (NM_001351497.2); c.737G>A, p.Trp246Ter (NM_001351499.2, NM_001351500.2, NM_001351501.2 and 1 more transcripts); short protein forms W246*, W355*, W378*.
Identifiers: ClinVar variation 4814582 (VCV004814582.1).
Genomic context (GRCh38, chr9:105,620,022, plus strand): 5'-AGGGAAAAGATGATGTAAAACTTGATGTTTTTTTCTTCTATGAAGAAACTGATCACATGT[G>A]GAATGGAGGCACTCAGGCCAAAACAGGAAAAAAATTCAAGTATGAATCAAATAAGTACTT-3'

ClinVar aggregate classification (germline): Likely pathogenic (1 of 4 stars; one submission).

Conditions:
Walker-Warburg congenital muscular dystrophy. Also called: Muscular dystrophy-dystroglycanopathy, type A; Walker-Warburg syndrome. Identifiers: Orphanet 899, MedGen C0265221, MONDO:0000171.

Submission:

Natera, Inc.
Classification: Likely pathogenic for Walker-Warburg congenital muscular dystrophy. Last evaluated: 2025-07-02. Review status: criteria provided, single submitter. Criteria: Natera Variant Classification Schema (03/2026). Collection method: clinical testing. Allele origin: germline.
Comment: The c.1133G>A variant in FKTN is a nonsense variant predicted to introduce a stop codon at amino acid 378. This variant is expected to result in nonsense mediated decay, truncation, or a dysfunctional protein product. This variant is rare in the general population with a frequency below the threshold expected for the associated phenotype(s). Given the available evidence, this variant is classified as Likely Pathogenic.